The following is an entry in ClinVar:

ClinVar aggregate classification (germline): Benign/Likely benign. Review status: criteria provided, multiple submitters, no conflicts (2 of 4 stars). 2 submissions from 2 submitters: Benign (1); Likely benign (1). Last evaluated 2025-01-24.

Conditions:
Hereditary cancer-predisposing syndrome. Also called: Neoplastic Syndromes, Hereditary; Tumor predisposition; Hereditary Cancer Syndrome; Hereditary neoplastic syndrome. Identifiers: Orphanet 140162, MedGen C0027672, MeSH D009386, MONDO:0015356.
Lynch syndrome 4 (LYNCH4). Also called: Colorectal cancer, hereditary nonpolyposis, type 4; Hereditary non-polyposis colorectal cancer, type 4. Identifiers: Orphanet 144, MedGen C1838333, MONDO:0013699, OMIM 614337. Disease mechanism: loss of function.

Allele frequency attached by ClinVar (database versions not stated): gnomAD exomes below 0.00001.
gnomAD v4.1: 1 of 1,611,346 alleles (0.000062%); highest among the groups gnomAD compares: South Asian, 0.0011%; no homozygotes.

Submissions (2):

Myriad Genetics, Inc.
Classification: Benign for Lynch syndrome 4. Last evaluated: 2025-01-24. Review status: criteria provided, single submitter. Criteria: Myriad Autosomal Dominant, Autosomal Recessive and X-Linked Classification Criteria (2023). Collection method: clinical testing. Allele origin: unknown.
Comment: This variant is considered benign. This variant is a silent/synonymous amino acid change and it is not expected to impact splicing.

Ambry Genetics
Classification: Likely benign for Hereditary cancer-predisposing syndrome. Last evaluated: 2015-05-27. Review status: criteria provided, single submitter. Criteria: Ambry Variant Classification Scheme 2023. Collection method: clinical testing. Allele origin: germline.

NM_000535.7(PMS2):c.363C>T (p.Thr121=)

Gene: PMS2 (PMS1 homolog 2, mismatch repair system component; minus strand). Cytogenetic location: 7p22.1.
Variant type: single nucleotide variant.
Coding change: c.363C>T on transcript NM_000535.7 (MANE Select); coding-DNA position 363, C replaced by T.
Protein change: p.Thr121=; no amino-acid change (threonine 121 retained).
Molecular consequence: synonymous variant. On other transcripts: 5 prime UTR variant (29), non-coding transcript variant (1), intron variant (1).
Genome position (GRCh38, 1-based): chr7:6,002,627, G>A on the plus strand (C>T on the coding strand, the complement: PMS2 is on the minus strand). VCF-style: chr7-6002627-G-A. GRCh37 (hg19) VCF-style: chr7-6042258-G-A.
Other names: c.-43C>T (NM_001018040.1, NM_001322003.2, NM_001322004.2 and 25 more transcripts); c.363C>T, p.Thr121= (NM_001322006.2, NM_001322014.2, NM_001406869.1 and 8 more transcripts); c.45C>T, p.Thr15= (NM_001322007.2, NM_001322008.2, NM_001406876.1 and 4 more transcripts); c.-522C>T (NM_001322011.2, NM_001322012.2); c.54C>T, p.Thr18= (NM_001322015.2, NM_001406875.1, NM_001406877.1 and 6 more transcripts); c.549C>T, p.Thr183= (NM_001406866.1); c.387C>T, p.Thr129= (NM_001406868.1); c.250+1345C>T (NM_001406885.1).
Identifiers: ClinVar variation 1733487 (VCV001733487.3), dbSNP rs2536455877, ClinGen allele CA453647764.